The following is an entry in ClinVar:

ClinVar aggregate classification (germline): Conflicting classifications of pathogenicity. Review status: criteria provided, conflicting classifications (1 of 4 stars). 2 submissions from 2 submitters: Uncertain significance (1); Likely benign (1). Last evaluated 2025-10-13.

Allele frequency attached by ClinVar (database versions not stated): gnomAD exomes 0.00001; ExAC 0.00002; TOPMed 0.00002; gnomAD 0.00003.
gnomAD v4.1: 12 of 1,613,920 alleles (0.00074%); highest among the groups gnomAD compares: African/African-American, 0.0053%; no homozygotes.

Submissions (2):

Women's Health and Genetics/Laboratory Corporation of America, LabCorp
Classification: Uncertain significance. Last evaluated: 2025-10-13. Review status: criteria provided, single submitter. Criteria: LabCorp Variant Classification Summary - May 2015. Collection method: clinical testing. Allele origin: germline.
Comment: Variant summary: NOTCH3 c.1651C>T (p.Pro551Ser) results in a non-conservative amino acid change located in the EGF-like calcium-binding repeat domain (IPR001881) of the encoded protein sequence. Algorithms developed to predict the effect of missense changes on protein structure and function are either unavailable or do not agree on the potential impact of this missense change. The variant allele was found at a frequency of 1.6e-05 in 250916 control chromosomes. The available data on variant occurrences in the general population are insufficient to allow any conclusion about variant significance. To our knowledge, no occurrence of c.1651C>T in individuals affected with NOTCH3-related conditions and no experimental evidence demonstrating its impact on protein function have been reported. ClinVar contains an entry for this variant (Variation ID: 2165731). Based on the evidence outlined above, the variant was classified as uncertain significance.

Labcorp Genetics (formerly Invitae), Labcorp
Classification: Likely benign. Last evaluated: 2022-08-10. Review status: criteria provided, single submitter. Criteria: Invitae Variant Classification Sherloc (09022015). Collection method: clinical testing. Allele origin: germline.

NM_000435.3(NOTCH3):c.1651C>T (p.Pro551Ser)

Gene: NOTCH3 (notch receptor 3; minus strand). Cytogenetic location: 19p13.12.
Variant type: single nucleotide variant.
Coding change: c.1651C>T on transcript NM_000435.3 (MANE Select); coding-DNA position 1651, C replaced by T.
Protein change: p.Pro551Ser; replaces proline 551 with serine.
Molecular consequence: missense variant.
Genome position (GRCh38, 1-based): chr19:15,187,294, G>A on the plus strand (C>T on the coding strand, the complement: NOTCH3 is on the minus strand). VCF-style: chr19-15187294-G-A. GRCh37 (hg19) VCF-style: chr19-15298105-G-A.
Other names: short protein forms P551S.
Identifiers: ClinVar variation 2165731 (VCV002165731.5), dbSNP rs761209435, ClinGen allele CA9263589.